The following is an entry in ClinVar:

ClinVar aggregate classification (germline): Uncertain significance. Review status: criteria provided, multiple submitters, no conflicts (2 of 4 stars). 3 submissions from 3 submitters: Uncertain significance (3). Last evaluated 2026-01-19.

Conditions:
Cardiovascular phenotype. Identifiers: MedGen CN230736.
Cardiomyopathy, familial restrictive, 3. Identifiers: Orphanet 75249, MedGen C2676271, MONDO:0012900, OMIM 612422.
Hypertrophic cardiomyopathy 2. Also called: TNNT2-Related Familial Hypertrophic Cardiomyopathy. Identifiers: MedGen C1861864, MONDO:0007266, OMIM 115195.
Dilated cardiomyopathy 1D. Identifiers: Orphanet 154, Orphanet 54260, MedGen C1832243, MONDO:0011095, OMIM 601494.

Submissions (3):

Labcorp Genetics (formerly Invitae), Labcorp
Classification: Uncertain significance for Cardiomyopathy, familial restrictive, 3; Hypertrophic cardiomyopathy 2; Dilated cardiomyopathy 1D. Last evaluated: 2026-01-19. Review status: criteria provided, single submitter. Criteria: Invitae Variant Classification Sherloc (09022015). Collection method: clinical testing. Allele origin: germline.
Comment: This variant, c.147_149del, results in the deletion of 1 amino acid(s) of the TNNT2 protein (p.Glu51del), but otherwise preserves the integrity of the reading frame. This variant is present in population databases (rs781616719, gnomAD 0.003%). This variant has been observed in individual(s) with hypertrophic cardiomyopathy (PMID: 27532257, 37652022). ClinVar contains an entry for this variant (Variation ID: 971898). Experimental studies and prediction algorithms are not available or were not evaluated, and the functional significance of this variant is currently unknown. In summary, the available evidence is currently insufficient to determine the role of this variant in disease. Therefore, it has been classified as a Variant of Uncertain Significance.

Ambry Genetics
Classification: Uncertain significance for Cardiovascular phenotype. Last evaluated: 2025-07-22. Review status: criteria provided, single submitter. Criteria: Ambry Variant Classification Scheme 2023. Collection method: clinical testing. Allele origin: germline.
Comment: The c.147_149delAGA variant (also known as p.E51del) is located in coding exon 5 of the TNNT2 gene. This variant results from an in-frame AGA deletion at nucleotide positions 147 to 149. This results in the in-frame deletion of a glutamic acid at codon 51. This variant was reported in individual(s) with features consistent with hypertrophic cardiomyopathy (HCM) (Walsh R et al. Genet Med, 2017 Feb;19:192-203). This amino acid position is well conserved in available vertebrate species. In addition, this variant is predicted to be neutral by in silico analysis (Choi Y et al. PLoS ONE. 2012; 7(10):e46688). Based on the available evidence, the clinical significance of this variant remains unclear.

Blueprint Genetics
Classification: Uncertain significance. Last evaluated: 2018-05-22. Review status: criteria provided, single submitter. Criteria: ACMG Guidelines, 2015. Collection method: clinical testing. Allele origin: germline.

Literature cited by the submitters: PubMed 27532257 (cited by Labcorp Genetics (formerly Invitae), Labcorp and Ambry Genetics); PubMed 37652022 (cited by Labcorp Genetics (formerly Invitae), Labcorp).

NM_001276345.2(TNNT2):c.171AGA[2] (p.Glu61del)

Gene: TNNT2 (troponin T2, cardiac type; minus strand). Cytogenetic location: 1q32.1.
Variant type: Microsatellite.
Coding change: c.171AGA[2] on transcript NM_001276345.2 (MANE Select); two copies in a row of the 3-base unit AGA starting at c.171; the reference has three copies in a row; one copy, 3 bases deleted.
Protein change: p.Glu61del; deletes glutamic acid 61.
Molecular consequence: inframe deletion.
Genome position (GRCh38, 1-based): chr1:201,367,791-201,367,793, TCT deleted on the plus strand (AGA on the coding strand, the reverse complement: TNNT2 is on the minus strand); deleting any 3 consecutive bases within chr1:201,367,791-201,367,801 gives the same sequence; the position shown is the placement nearest the transcript's 3' end. VCF-style (leftmost placement, unchanged base first): chr1-201367790-CTCT-C. GRCh37 (hg19) VCF-style: chr1-201336918-CTCT-C.
Other names: c.147_149delAGA (NM_001001430.1); c.171AGA[2], p.Glu61del (NM_000364.4); c.141AGA[2], p.Glu51del (NM_001001430.3, NM_001001431.3, NM_001276347.2); c.126AGA[2], p.Glu46del (NM_001001432.3); c.168AGA[2], p.Glu60del (NM_001276346.2); short protein forms E51del, E60del, E46del, E61del.
Identifiers: ClinVar variation 971898 (VCV000971898.9), dbSNP rs781616719, ClinGen allele CA1324764.